The following is an entry in ClinVar:

NM_152383.5(DIS3L2):c.2380C>T (p.Arg794Cys)

Gene: DIS3L2 (DIS3 like 3'-5' exoribonuclease 2; plus strand). Cytogenetic location: 2q37.1.
Variant type: single nucleotide variant.
Coding change: c.2380C>T on transcript NM_152383.5 (MANE Select); coding-DNA position 2380, C replaced by T.
Protein change: p.Arg794Cys; replaces arginine 794 with cysteine.
Molecular consequence: missense variant. On other transcripts: non-coding transcript variant (2), intron variant (1).
Genome position (GRCh38, 1-based): chr2:232,334,721, C>T. VCF-style: chr2-232334721-C-T. GRCh37 (hg19) VCF-style: chr2-233199431-C-T.
Other names: c.1582-8624C>T (NM_001257281.2); short protein forms R794C.
Identifiers: ClinVar variation 843514 (VCV000843514.7), dbSNP rs774732040, ClinGen allele CA2164516.

ClinVar aggregate classification (germline): Uncertain significance (1 of 4 stars; one submission).

Conditions:
Perlman syndrome (PRLMNS). Identifiers: Orphanet 2849, MedGen C0796113, MONDO:0009965, OMIM 267000.

Allele frequency attached by ClinVar (database versions not stated): gnomAD exomes below 0.00001; ExAC 0.00002; gnomAD 0.00003.

Submission:

Labcorp Genetics (formerly Invitae), Labcorp
Classification: Uncertain significance for Perlman syndrome. Last evaluated: 2025-07-14. Review status: criteria provided, single submitter. Criteria: Invitae Variant Classification Sherloc (09022015). Collection method: clinical testing. Allele origin: germline.
Comment: This sequence change replaces arginine, which is basic and polar, with cysteine, which is neutral and slightly polar, at codon 794 of the DIS3L2 protein (p.Arg794Cys). The frequency data for this variant in the population databases is considered unreliable, as metrics indicate poor data quality at this position in the gnomAD database. This variant has not been reported in the literature in individuals affected with DIS3L2-related conditions. ClinVar contains an entry for this variant (Variation ID: 843514). Invitae Evidence Modeling of protein sequence and biophysical properties (such as structural, functional, and spatial information, amino acid conservation, physicochemical variation, residue mobility, and thermodynamic stability) indicates that this missense variant is expected to disrupt DIS3L2 protein function with a positive predictive value of 80%. In summary, the available evidence is currently insufficient to determine the role of this variant in disease. Therefore, it has been classified as a Variant of Uncertain Significance.